The following is an entry in ClinVar:

NM_000426.4(LAMA2):c.7296del (p.Lys2432fs)

Gene: LAMA2 (laminin subunit alpha 2; plus strand). Cytogenetic location: 6q22.33.
Variant type: Deletion.
Coding change: c.7296del on transcript NM_000426.4 (MANE Select); coding-DNA position 7296, one base deleted (A; older notation c.7296delA).
Protein change: p.Lys2432fs; shifts the reading frame from lysine 2432.
Molecular consequence: frameshift variant.
Genome position (GRCh38, 1-based): chr6:129,465,285, A deleted; the last of 5 consecutive A bases (chr6:129,465,281-129,465,285); deleting any one gives the same sequence. VCF-style (leftmost placement, unchanged base first): chr6-129465280-CA-C. GRCh37 (hg19) VCF-style: chr6-129786425-CA-C.
Other names: c.7296del, p.Lys2432fs (NM_001079823.2); short protein forms K2432fs.
Identifiers: ClinVar variation 1725464 (VCV001725464.3), dbSNP rs2533443816, ClinGen allele CA2580074993.
Genomic context (GRCh38, chr6:129,465,280, plus strand): 5'-GTTGTCAGCAATCAAAACCATAATGATGGGAAATGGAAATCATTCACTCTGTCAAGAATT[CA>C]AAAACAAGGTGAGTTTTTACAGTAATAATGCAATATAGGCCTTAATCATGAAATCCAAAG-3'

ClinVar aggregate classification (germline): Likely pathogenic (1 of 4 stars; one submission).

Conditions:
LAMA2-related muscular dystrophy (LAMA2-RD). Also called: Laminin alpha 2-related dystrophy. Identifiers: MedGen C5679788, MONDO:0100228.

Submission:

Myriad Genetics, Inc.
Classification: Likely pathogenic for LAMA2-related muscular dystrophy. Last evaluated: 2022-03-25. Review status: criteria provided, single submitter. Criteria: Myriad Autosomal Dominant, Autosomal Recessive and X-Linked Classification Criteria (2023). Collection method: clinical testing. Allele origin: unknown.
Comment: NM_000426.3(LAMA2):c.7296delA(K2432Nfs*8) is expected to be pathogenic in the context of muscular dystrophy, LAMA2-related. This variant is predicted to lead to an abnormal or absent protein product due to the creation of a premature termination codon in LAMA2, a gene where loss-of-function variants are known to be pathogenic. Please note: this variant was assessed in the context of healthy population screening.